The following is an entry in ClinVar:

ClinVar aggregate classification (germline): Uncertain significance (1 of 4 stars; one submission).

Submission:

GeneDx
Classification: Uncertain significance. Last evaluated: 2024-09-28. Review status: criteria provided, single submitter. Criteria: GeneDx Variant Classification Process June 2021. Collection method: clinical testing. Allele origin: germline. Affected: yes.
Comment: Not observed at significant frequency in large population cohorts (gnomAD); In silico analysis supports that this missense variant has a deleterious effect on protein structure/function; Has not been previously published as pathogenic or benign to our knowledge

NM_001297595.2(SIN3B):c.2780A>T (p.Gln927Leu)

Gene: SIN3B (SIN3 transcription regulator family member B; plus strand). Cytogenetic location: 19p13.11.
Variant type: single nucleotide variant.
Coding change: c.2780A>T on transcript NM_001297595.2 (MANE Select); coding-DNA position 2780, A replaced by T.
Protein change: p.Gln927Leu; replaces glutamine 927 with leucine.
Molecular consequence: missense variant.
Genome position (GRCh38, 1-based): chr19:16,876,499, A>T. VCF-style: chr19-16876499-A-T. GRCh37 (hg19) VCF-style: chr19-16987310-A-T.
Other names: c.1550A>T, p.Gln517Leu (NM_001297597.2); c.2876A>T, p.Gln959Leu (NM_015260.4); short protein forms Q517L, Q927L, Q959L.
Identifiers: ClinVar variation 3774856 (VCV003774856.1).